The following is an entry in ClinVar:

NC_000002.12:g.121530901G>A

Genes: CLASP1 (cytoplasmic linker associated protein 1; minus strand), CLASP1-AS1 (CLASP1 antisense RNA 1; plus strand), RNU4ATAC (RNA, U4atac small nuclear; plus strand). Cytogenetic location: 2q14.2.
Variant type: single nucleotide variant.
Molecular consequence: intron variant (on NM_001395891.1).
Genome position: GRCh38 VCF-style: chr2-121530901-G-A. GRCh37 (hg19) VCF-style: chr2-122288477-G-A.
Other names: c.196-576C>T (NM_001142274.2, NM_015282.3, NM_001378003.1 and 5 more transcripts).
Identifiers: ClinVar variation 1422665 (VCV001422665.6), dbSNP rs879429057, ClinGen allele CA54810783.

ClinVar aggregate classification (germline): Uncertain significance. Review status: criteria provided, multiple submitters, no conflicts (2 of 4 stars). 2 submissions from 2 submitters: Uncertain significance (2). Last evaluated 2025-10-21.

gnomAD v4.1: 23 of 695,712 alleles (0.0033%); highest among the groups gnomAD compares: East Asian, 0.0054%; no homozygotes.

Submissions (2):

Labcorp Genetics (formerly Invitae), Labcorp
Classification: Uncertain significance. Last evaluated: 2025-10-21. Review status: criteria provided, single submitter. Criteria: Invitae Variant Classification Sherloc (09022015). Collection method: clinical testing. Allele origin: germline.
Comment: This variant occurs in the RNU4ATAC gene, which encodes an RNA molecule that does not result in a protein product. This variant is present in population databases (no rsID available, gnomAD 0.009%). This variant has not been reported in the literature in individuals affected with RNU4ATAC-related conditions. ClinVar contains an entry for this variant (Variation ID: 1422665). Experimental studies and prediction algorithms are not available or were not evaluated, and the functional significance of this variant is currently unknown. In summary, the available evidence is currently insufficient to determine the role of this variant in disease. Therefore, it has been classified as a Variant of Uncertain Significance.

Blueprint Genetics
Classification: Uncertain significance. Last evaluated: 2024-06-13. Review status: criteria provided, single submitter. Criteria: ACMG Guidelines, 2015. Collection method: clinical testing. Allele origin: germline.